The following is an entry in ClinVar:

ClinVar aggregate classification (germline): Uncertain significance (1 of 4 stars; one submission).

gnomAD v4.1: 1 of 1,610,606 alleles (0.000062%); highest among the groups gnomAD compares: Non-Finnish European, 0.000085%; no homozygotes.

Submission:

GeneDx
Classification: Uncertain significance. Last evaluated: 2015-04-24. Review status: criteria provided, single submitter. Criteria: GeneDx Variant Classification (06012015). Collection method: clinical testing. Allele origin: germline. Affected: yes.
Comment: The E13389X variant in the TTN gene has not been reported as a pathogenic variant or as a benign polymorphism to our knowledge. The E13389X variant was not observed in approximately E13389X individuals of European and African American ancestry in the NHLBI Exome Sequencing Project, indicating it is not a common benign variant in these populations. In addition, E13389X is predicted to cause loss of normal protein function either by protein truncation or nonsense-mediated mRNA decay. However, other truncating variants in the TTN gene have been reported in approximately 3% of reported control alleles (Herman et al., 2012). Furthermore, E13389X is not located in the A-band region of titin, where the majority of truncating mutations associated with DCM have been reported (Herman et al., 2012).Therefore, based on the currently available information, it is unclear whether this variant is a pathogenic variant or a rare benign variant.

NM_001267550.2(TTN):c.45088G>T (p.Glu15030Ter)

Genes: TTN (titin; minus strand), LOC126806427 (BRD4-independent group 4 enhancer GRCh37_chr2:179485777-179486976; plus strand). Cytogenetic location: 2q31.2.
Variant type: single nucleotide variant.
Coding change: c.45088G>T on transcript NM_001267550.2 (MANE Select); coding-DNA position 45088, G replaced by T.
Protein change: p.Glu15030Ter; replaces glutamic acid 15030 with a stop codon.
Molecular consequence: nonsense.
Genome position (GRCh38, 1-based): chr2:178,621,736, C>A on the plus strand (G>T on the coding strand, the complement: TTN is on the minus strand). VCF-style: chr2-178621736-C-A. GRCh37 (hg19) VCF-style: chr2-179486463-C-A.
Other names: c.40165G>T, p.Glu13389Ter (NM_001256850.1); c.17893G>T, p.Glu5965Ter (NM_003319.4); c.37384G>T, p.Glu12462Ter (NM_133378.4); c.18268G>T, p.Glu6090Ter (NM_133432.3); c.18469G>T, p.Glu6157Ter (NM_133437.4); short protein forms E13389*, E15030*, E6090*, E6157*, E12462*, E5965*.
Identifiers: ClinVar variation 503663 (VCV000503663.2), dbSNP rs794729434, ClinGen allele CA349636108.